The following is an entry in ClinVar:

NM_004304.5(ALK):c.2542G>T (p.Ala848Ser)

Gene: ALK (ALK receptor tyrosine kinase; minus strand). Cytogenetic location: 2p23.2.
Variant type: single nucleotide variant.
Coding change: c.2542G>T on transcript NM_004304.5 (MANE Select); coding-DNA position 2542, G replaced by T.
Protein change: p.Ala848Ser; replaces alanine 848 with serine.
Molecular consequence: missense variant.
Genome position (GRCh38, 1-based): chr2:29,232,394, C>A on the plus strand (G>T on the coding strand, the complement: ALK is on the minus strand). VCF-style: chr2-29232394-C-A. GRCh37 (hg19) VCF-style: chr2-29455260-C-A.
Other names: short protein forms A848S.
Identifiers: ClinVar variation 2452119 (VCV002452119.2), dbSNP rs2465986394, ClinGen allele CA346471892.

ClinVar aggregate classification (germline): Uncertain significance (1 of 4 stars; one submission).

Conditions:
Hereditary cancer-predisposing syndrome. Also called: Neoplastic Syndromes, Hereditary; Tumor predisposition; Hereditary neoplastic syndrome; Hereditary Cancer Syndrome. Identifiers: Orphanet 140162, MedGen C0027672, MeSH D009386, MONDO:0015356.

Submission:

Ambry Genetics
Classification: Uncertain significance for Hereditary cancer-predisposing syndrome. Last evaluated: 2023-01-23. Review status: criteria provided, single submitter. Criteria: Ambry Variant Classification Scheme 2023. Collection method: clinical testing. Allele origin: germline.
Comment: The p.A848S variant (also known as c.2542G>T), located in coding exon 15 of the ALK gene, results from a G to T substitution at nucleotide position 2542. The alanine at codon 848 is replaced by serine, an amino acid with similar properties. This amino acid position is conserved. In addition, this alteration is predicted to be tolerated by in silico analysis. Since supporting evidence is limited at this time, the clinical significance of this alteration remains unclear.